The following is an entry in ClinVar:

ClinVar aggregate classification (germline): Uncertain significance. Review status: criteria provided, multiple submitters, no conflicts (2 of 4 stars). 2 submissions from 2 submitters: Uncertain significance (2). Last evaluated 2025-06-16.

Conditions:
Inborn genetic diseases. Identifiers: MedGen C0950123, MeSH D030342.

Allele frequency attached by ClinVar (database versions not stated): TOPMed 0.00002.

Submissions (2):

Ambry Genetics
Classification: Uncertain significance for Inborn genetic diseases. Last evaluated: 2025-06-16. Review status: criteria provided, single submitter. Criteria: Ambry Variant Classification Scheme 2023. Collection method: clinical testing. Allele origin: germline.

Labcorp Genetics (formerly Invitae), Labcorp
Classification: Uncertain significance. Last evaluated: 2024-10-26. Review status: criteria provided, single submitter. Criteria: Invitae Variant Classification Sherloc (09022015). Collection method: clinical testing. Allele origin: germline.
Comment: This sequence change replaces alanine, which is neutral and non-polar, with valine, which is neutral and non-polar, at codon 3602 of the LRP2 protein (p.Ala3602Val). This variant is not present in population databases (gnomAD no frequency). This variant has not been reported in the literature in individuals affected with LRP2-related conditions. ClinVar contains an entry for this variant (Variation ID: 1399445). Invitae Evidence Modeling of protein sequence and biophysical properties (such as structural, functional, and spatial information, amino acid conservation, physicochemical variation, residue mobility, and thermodynamic stability) indicates that this missense variant is not expected to disrupt LRP2 protein function with a negative predictive value of 95%. In summary, the available evidence is currently insufficient to determine the role of this variant in disease. Therefore, it has been classified as a Variant of Uncertain Significance.

NM_004525.3(LRP2):c.10805C>T (p.Ala3602Val)

Gene: LRP2 (LDL receptor related protein 2; minus strand). Cytogenetic location: 2q31.1.
Variant type: single nucleotide variant.
Coding change: c.10805C>T on transcript NM_004525.3 (MANE Select); coding-DNA position 10805, C replaced by T.
Protein change: p.Ala3602Val; replaces alanine 3602 with valine.
Molecular consequence: missense variant.
Genome position (GRCh38, 1-based): chr2:169,174,128, G>A on the plus strand (C>T on the coding strand, the complement: LRP2 is on the minus strand). VCF-style: chr2-169174128-G-A. GRCh37 (hg19) VCF-style: chr2-170030638-G-A.
Other names: c.10805C>T (NM_004525.2); short protein forms A3602V.
Identifiers: ClinVar variation 1399445 (VCV001399445.5), dbSNP rs1416136115, ClinGen allele CA349145237.